The following is an entry in ClinVar:

NM_206933.4(USH2A):c.172T>C (p.Cys58Arg)

Gene: USH2A (usherin; minus strand). Cytogenetic location: 1q41.
Variant type: single nucleotide variant.
Coding change: c.172T>C on transcript NM_206933.4 (MANE Select); coding-DNA position 172, T replaced by C.
Protein change: p.Cys58Arg; replaces cysteine 58 with arginine.
Molecular consequence: missense variant.
Genome position (GRCh38, 1-based): chr1:216,422,165, A>G on the plus strand (T>C on the coding strand, the complement: USH2A is on the minus strand). VCF-style: chr1-216422165-A-G. GRCh37 (hg19) VCF-style: chr1-216595507-A-G.
Other names: c.172T>C, p.Cys58Arg (NM_007123.6); short protein forms C58R.
Identifiers: ClinVar variation 1414388 (VCV001414388.6), dbSNP rs2039689429, ClinGen allele CA344904689.

ClinVar aggregate classification (germline): Pathogenic (1 of 4 stars; one submission).

Allele frequency attached by ClinVar (database versions not stated): gnomAD 0.00001.
gnomAD v4.1: 1 of 1,613,646 alleles (0.000062%); highest among the groups gnomAD compares: African/African-American, 0.0013%; no homozygotes.

Submission:

Labcorp Genetics (formerly Invitae), Labcorp
Classification: Pathogenic. Last evaluated: 2024-10-26. Review status: criteria provided, single submitter. Criteria: Invitae Variant Classification Sherloc (09022015). Collection method: clinical testing. Allele origin: germline.
Comment: This sequence change replaces cysteine, which is neutral and slightly polar, with arginine, which is basic and polar, at codon 58 of the USH2A protein (p.Cys58Arg). This variant is not present in population databases (gnomAD no frequency). This missense change has been observed in individual(s) with clinical features of Usher syndrome (internal data). ClinVar contains an entry for this variant (Variation ID: 1414388). Invitae Evidence Modeling of protein sequence and biophysical properties (such as structural, functional, and spatial information, amino acid conservation, physicochemical variation, residue mobility, and thermodynamic stability) has been performed for this missense variant. However, the output from this modeling did not meet the statistical confidence thresholds required to predict the impact of this variant on USH2A protein function. For these reasons, this variant has been classified as Pathogenic.